The following is an entry in ClinVar:

ClinVar aggregate classification (germline): Uncertain significance (1 of 4 stars; one submission).

Conditions:
Gastrointestinal stromal tumor. Also called: Gastrointestinal stromal tumor, somatic; Gastrointestinal stroma tumor. Identifiers: Orphanet 44890, MedGen C0238198, MeSH D046152, MONDO:0011719, OMIM 606764, HP:0100723.

Submission:

Labcorp Genetics (formerly Invitae), Labcorp
Classification: Uncertain significance for Gastrointestinal stromal tumor. Last evaluated: 2019-06-28. Review status: criteria provided, single submitter. Criteria: Invitae Variant Classification Sherloc (09022015). Collection method: clinical testing. Allele origin: germline.
Comment: This sequence change replaces glutamine with lysine at codon 927 of the KIT protein (p.Gln927Lys). The glutamine residue is highly conserved and there is a small physicochemical difference between glutamine and lysine. This variant is not present in population databases (ExAC no frequency). This variant has not been reported in the literature in individuals with KIT-related conditions. Algorithms developed to predict the effect of missense changes on protein structure and function (SIFT, PolyPhen-2, Align-GVGD) all suggest that this variant is likely to be disruptive, but these predictions have not been confirmed by published functional studies and their clinical significance is uncertain. In summary, the available evidence is currently insufficient to determine the role of this variant in disease. Therefore, it has been classified as a Variant of Uncertain Significance.

NM_000222.3(KIT):c.2779C>A (p.Gln927Lys)

Gene: KIT (KIT proto-oncogene, receptor tyrosine kinase; plus strand). Cytogenetic location: 4q12.
Variant type: single nucleotide variant.
Coding change: c.2779C>A on transcript NM_000222.3 (MANE Select); coding-DNA position 2779, C replaced by A.
Protein change: p.Gln927Lys; replaces glutamine 927 with lysine.
Molecular consequence: missense variant.
Genome position (GRCh38, 1-based): chr4:54,737,257, C>A. VCF-style: chr4-54737257-C-A. GRCh37 (hg19) VCF-style: chr4-55603423-C-A.
Other names: c.2767C>A, p.Gln923Lys (NM_001093772.2, NM_001385292.1); c.2782C>A, p.Gln928Lys (NM_001385284.1); c.2776C>A, p.Gln926Lys (NM_001385285.1); c.2764C>A, p.Gln922Lys (NM_001385286.1); c.2770C>A, p.Gln924Lys (NM_001385288.1); c.2779C>A, p.Gln927Lys (NM_001385290.1); short protein forms Q923K, Q927K, Q922K, Q924K, Q926K, Q928K.
Identifiers: ClinVar variation 951343 (VCV000951343.10), dbSNP rs1722973274, ClinGen allele CA356914519.